The following is an entry in ClinVar:

NM_181882.3(PRX):c.901C>T (p.Pro301Ser)

Gene: PRX (periaxin; minus strand). Cytogenetic location: 19q13.2.
Variant type: single nucleotide variant.
Coding change: c.901C>T on transcript NM_181882.3 (MANE Select); coding-DNA position 901, C replaced by T.
Protein change: p.Pro301Ser; replaces proline 301 with serine.
Molecular consequence: missense variant. On other transcripts: 3 prime UTR variant (1).
Genome position (GRCh38, 1-based): chr19:40,397,451, G>A on the plus strand (C>T on the coding strand, the complement: PRX is on the minus strand). VCF-style: chr19-40397451-G-A. GRCh37 (hg19) VCF-style: chr19-40903358-G-A.
Other names: c.*1106C>T (NM_020956.2); short protein forms P301S.
Identifiers: ClinVar variation 1014259 (VCV001014259.7), dbSNP rs1453242996, ClinGen allele CA405899461.
Genomic context (GRCh38, chr19:40,397,451, plus strand): 5'-CCGACACAGCCCCTTCCCGGGTCTCTAGGCAGGGAAGTGTGGGCAGAGTGGGCAGTGAGG[G>A]CAAGGCAGGCAGCTCCACCTGGGGGACCTGGATTCCCACGGCTGGGGCCTCCACAGCAGG-3'
Protein context (NP_870998.2, residues 291-311): QVPQVELPAL[Pro301Ser]SLPTLPTLPC

ClinVar aggregate classification (germline): Uncertain significance (1 of 4 stars; one submission).

Conditions:
Charcot-Marie-Tooth disease type 4. Also called: Charcot-Marie-Tooth, Type 4; Charcot-Marie-Tooth disease, type IV. Identifiers: Orphanet 64749, MedGen C4082197, MONDO:0018995.

Allele frequency attached by ClinVar (database versions not stated): gnomAD exomes 0.00001.
gnomAD v4.1: 11 of 1,588,786 alleles (0.00069%); highest among the groups gnomAD compares: Non-Finnish European, 0.00094%; no homozygotes.

Submission:

Labcorp Genetics (formerly Invitae), Labcorp
Classification: Uncertain significance for Charcot-Marie-Tooth disease type 4. Last evaluated: 2022-07-19. Review status: criteria provided, single submitter. Criteria: Invitae Variant Classification Sherloc (09022015). Collection method: clinical testing. Allele origin: germline.
Comment: This sequence change replaces proline, which is neutral and non-polar, with serine, which is neutral and polar, at codon 301 of the PRX protein (p.Pro301Ser). The frequency data for this variant in the population databases is considered unreliable, as metrics indicate poor data quality at this position in the gnomAD database. This variant has not been reported in the literature in individuals affected with PRX-related conditions. ClinVar contains an entry for this variant (Variation ID: 1014259). Algorithms developed to predict the effect of missense changes on protein structure and function are either unavailable or do not agree on the potential impact of this missense change (SIFT: "Tolerated"; PolyPhen-2: "Possibly Damaging"; Align-GVGD: "Class C0"). In summary, the available evidence is currently insufficient to determine the role of this variant in disease. Therefore, it has been classified as a Variant of Uncertain Significance.